The following is an entry in ClinVar:

ClinVar aggregate classification (germline): Uncertain significance (1 of 4 stars; one submission).

Conditions:
Hereditary cancer-predisposing syndrome. Also called: Hereditary neoplastic syndrome; Neoplastic Syndromes, Hereditary; Tumor predisposition; Hereditary Cancer Syndrome. Identifiers: Orphanet 140162, MedGen C0027672, MeSH D009386, MONDO:0015356.

Submission:

Sema4
Classification: Uncertain significance for Hereditary cancer-predisposing syndrome. Last evaluated: 2021-11-23. Review status: criteria provided, single submitter. Criteria: Sema4 Curation Guidelines. Collection method: curation. Allele origin: germline.
Comment: The ATM c.6223C>T (p.H2075Y) variant has not been reported in literature to our knowledge. This variant is not reported in the large and broad cohorts of the Genome Aggregation Database (PMID: 32461654). This variant has not been reported in ClinVar. Functional studies have not been performed, and in silico predictions of the variant's effect on protein function are inconclusive. The overall evidence is insufficient to meet ACMG/AMP criteria for classifying it as benign or pathogenic. In summary, the clinical significance of this variant is currently uncertain.

NM_000051.4(ATM):c.6223C>T (p.His2075Tyr)

Genes: ATM (ATM serine/threonine kinase; plus strand), C11orf65 (chromosome 11 open reading frame 65; minus strand). Cytogenetic location: 11q22.3.
Variant type: single nucleotide variant.
Coding change: c.6223C>T on transcript NM_000051.4 (MANE Select); coding-DNA position 6223, C replaced by T.
Protein change: p.His2075Tyr; replaces histidine 2075 with tyrosine.
Molecular consequence: missense variant. On other transcripts: intron variant (2).
Genome position (GRCh38, 1-based): chr11:108,317,397, C>T. VCF-style: chr11-108317397-C-T. GRCh37 (hg19) VCF-style: chr11-108188124-C-T.
Other names: c.6223C>T, p.His2075Tyr (NM_001351834.2); c.641-8326G>A (NM_001330368.2); c.*39-8326G>A (NM_001351110.2); short protein forms H2075Y.
Identifiers: ClinVar variation 1692855 (VCV001692855.1), dbSNP rs2136163717, ClinGen allele CA382551132.